The following is an entry in ClinVar:

NM_007294.4(BRCA1):c.5044_5048delinsT (p.Thr1681_Glu1682insTer)

Gene: BRCA1 (BRCA1 DNA repair associated; minus strand). Cytogenetic location: 17q21.31.
Variant type: Indel.
Coding change: c.5044_5048delinsT on transcript NM_007294.4 (MANE Select); coding-DNA positions 5044 to 5048, GAAGA replaced by T.
Protein change: p.Thr1681_Glu1682insTer.
Molecular consequence: nonsense. On other transcripts: frameshift variant (364), non-coding transcript variant (1).
Genome position (GRCh38, 1-based): chr17:43,067,634-43,067,638, TCTTC replaced by A on the plus strand (GAAGA replaced by T on the coding strand, the reverse complement: BRCA1 is on the minus strand). VCF-style: chr17-43067634-TCTTC-A. GRCh37 (hg19) VCF-style: chr17-41219651-TCTTC-A.
Other names: 5163_5167delinsT; c.4777_4781delGAAGAinsT, p.Glu1593Terfs (NM_001407929.1, NM_001407930.1, NM_001407931.1 and 4 more transcripts); c.4774_4778delGAAGAinsT, p.Glu1592Terfs (NM_001407934.1, NM_001407935.1, NM_001407936.1); c.4921_4925delGAAGAinsT, p.Glu1641Terfs (NM_001407937.1, NM_001407938.1, NM_001407664.1 and 6 more transcripts); c.4918_4922delGAAGAinsT, p.Glu1640Terfs (NM_001407939.1, NM_001407940.1, NM_001407670.1 and 11 more transcripts); c.4915_4919delGAAGAinsT, p.Glu1639Terfs (NM_001407941.1, NM_001407681.1, NM_001407682.1 and 6 more transcripts); c.4903_4907delGAAGAinsT, p.Glu1635Terfs (NM_001407942.1, NM_001407692.1, NM_001407694.1 and 12 more transcripts); c.4900_4904delGAAGAinsT, p.Glu1634Terfs (NM_001407943.1, NM_001407944.1, NM_001407945.1 and 21 more transcripts); and 74 more.
Identifiers: ClinVar variation 266519 (VCV000266519.6), dbSNP rs886040266, ClinGen allele CA10589624.
Genomic context (GRCh38, chr17:43,067,634, plus strand): 5'-GATGCAAGGTATTCTGTAAAGGTTCTTGGTATACCTGTTTTCATAACAACATGAGTAGTC[TCTTC>A]AGTAATTAGATTAGTTAAAGTGATGTGGTGTTTTCTGGCAAACTTGTACACGAGCATCTG-3'

ClinVar aggregate classification (germline): Pathogenic. Review status: reviewed by expert panel (3 of 4 stars). 2 submissions from 2 submitters: Pathogenic (1). 1 of the submissions does not count toward it. Last evaluated 2016-10-18.

Conditions:
Breast-ovarian cancer, familial, susceptibility to, 1 (BROVCA1). Also called: BRCA1 Hereditary Breast and Ovarian Cancer; OVARIAN CANCER, SUSCEPTIBILITY TO. Identifiers: Orphanet 145, MedGen C2676676, MONDO:0011450, OMIM 604370. Disease mechanism: loss of function.

Submissions (2):

Evidence-based Network for the Interpretation of Germline Mutant Alleles (ENIGMA)
Classification: Pathogenic for Breast-ovarian cancer, familial, susceptibility to, 1. Last evaluated: 2016-10-18. Review status: reviewed by expert panel. Criteria: ENIGMA BRCA1/2 Classification Criteria (2015). Collection method: curation. Allele origin: germline.
Comment: Variant allele predicted to encode a truncated non-functional protein.

Consortium of Investigators of Modifiers of BRCA1/2 (CIMBA), c/o University of Cambridge
Classification: Pathogenic for Breast-ovarian cancer, familial, susceptibility to, 1. Last evaluated: 2015-10-02. Review status: criteria provided, single submitter. Criteria: CIMBA Mutation Classification guidelines May 2016. Collection method: clinical testing. Allele origin: germline. Not counted in ClinVar's aggregate classification.